The following is an entry in ClinVar:

ClinVar aggregate classification (germline): Uncertain significance (1 of 4 stars; one submission).

Conditions:
Hereditary cancer-predisposing syndrome. Also called: Hereditary Cancer Syndrome; Neoplastic Syndromes, Hereditary; Tumor predisposition; Hereditary neoplastic syndrome. Identifiers: Orphanet 140162, MedGen C0027672, MeSH D009386, MONDO:0015356.

Submission:

Ambry Genetics
Classification: Uncertain significance for Hereditary cancer-predisposing syndrome. Last evaluated: 2021-06-23. Review status: criteria provided, single submitter. Criteria: Ambry Variant Classification Scheme 2023. Collection method: clinical testing. Allele origin: germline.
Comment: The p.I172V variant (also known as c.514A>G), located in coding exon 4 of the POLD1 gene, results from an A to G substitution at nucleotide position 514. The isoleucine at codon 172 is replaced by valine, an amino acid with highly similar properties. This amino acid position is conserved. In addition, this alteration is predicted to be tolerated by in silico analysis. Since supporting evidence is limited at this time, the clinical significance of this alteration remains unclear.

NM_002691.4(POLD1):c.514A>G (p.Ile172Val)

Gene: POLD1 (DNA polymerase delta 1, catalytic subunit; plus strand). Cytogenetic location: 19q13.33.
Variant type: single nucleotide variant.
Coding change: c.514A>G on transcript NM_002691.4 (MANE Select); coding-DNA position 514, A replaced by G.
Protein change: p.Ile172Val; replaces isoleucine 172 with valine.
Molecular consequence: missense variant. On other transcripts: non-coding transcript variant (1).
Genome position (GRCh38, 1-based): chr19:50,402,049, A>G. VCF-style: chr19-50402049-A-G. GRCh37 (hg19) VCF-style: chr19-50905306-A-G.
Other names: c.514A>G, p.Ile172Val (NM_001256849.1, NM_001308632.1); short protein forms I172V.
Identifiers: ClinVar variation 1745648 (VCV001745648.2), dbSNP rs2122238532, ClinGen allele CA406973110.
Genomic context (GRCh38, chr19:50,402,049, plus strand): 5'-CCCACACCAGGTTTCGGGCCCGAGCACATGGGTGACCTGCAACGGGAGCTGAACTTGGCC[A>G]TCAGCCGGGACAGTCGCGGGGGGAGGGAGCTGACTGGGCCGGCCGTGCTGGCTGTGGAAC-3'
Protein context (NP_002682.2, residues 162-182): GDLQRELNLA[Ile172Val]SRDSRGGREL